The following is an entry in ClinVar:

ClinVar aggregate classification (germline): Uncertain significance. Review status: criteria provided, multiple submitters, no conflicts (2 of 4 stars). 10 submissions from 10 submitters: Uncertain significance (8). 2 of the submissions do not count toward it. Last evaluated 2025-08-29.

Conditions:
Hereditary cancer-predisposing syndrome. Also called: Neoplastic Syndromes, Hereditary; Hereditary neoplastic syndrome; Tumor predisposition; Hereditary Cancer Syndrome. Identifiers: Orphanet 140162, MedGen C0027672, MeSH D009386, MONDO:0015356.
Familial cancer of breast. Also called: hereditary breast carcinoma; Hereditary breast cancer; BREAST CANCER, FAMILIAL. Identifiers: Orphanet 227535, MedGen C0346153, MONDO:0016419, OMIM 114480. Disease mechanism: loss of function.
Ataxia-telangiectasia syndrome (AT). Also called: Ataxia telangiectasia (A-T); Cerebello-oculocutaneous telangiectasia; Immunodeficiency with ataxia telangiectasia; LOUIS-BAR SYNDROME; AT, COMPLEMENTATION GROUP C; ATAXIA-TELANGIECTASIA, FRESNO VARIANT. Identifiers: Orphanet 100, MedGen C0004135, MONDO:0008840, OMIM 208900.

Allele frequency attached by ClinVar (database versions not stated): gnomAD exomes below 0.00001 and 0.00002; gnomAD 0.00001.
gnomAD v4.1: 26 of 1,608,234 alleles (0.0016%); highest among the groups gnomAD compares: Non-Finnish European, 0.002%; no homozygotes.

Submissions (10):

GeneDx
Classification: Uncertain significance. Last evaluated: 2025-08-29. Review status: criteria provided, single submitter. Criteria: GeneDx Variant Classification Process June 2021. Collection method: clinical testing. Allele origin: germline. Affected: yes.
Comment: Not observed at significant frequency in large population cohorts (gnomAD); In silico analysis suggests that this missense variant does not alter protein structure/function; Observed in individuals with breast cancer, as well as unaffected controls (PMID: 28779002, 12935922, 26976419); This variant is associated with the following publications: (PMID: 12935922, 26976419, 28779002, 19781682, 23532176, 10738255)

Labcorp Genetics (formerly Invitae), Labcorp
Classification: Uncertain significance for Ataxia-telangiectasia syndrome. Last evaluated: 2025-01-31. Review status: criteria provided, single submitter. Criteria: Invitae Variant Classification Sherloc (09022015). Collection method: clinical testing. Allele origin: germline.
Comment: This sequence change replaces histidine, which is basic and polar, with arginine, which is basic and polar, at codon 2111 of the ATM protein (p.His2111Arg). This variant is not present in population databases (gnomAD no frequency). This missense change has been observed in individual(s) with breast and colon cancer (PMID: 10738255, 12935922, 19781682, 26976419). ClinVar contains an entry for this variant (Variation ID: 229957). Invitae Evidence Modeling of protein sequence and biophysical properties (such as structural, functional, and spatial information, amino acid conservation, physicochemical variation, residue mobility, and thermodynamic stability) indicates that this missense variant is not expected to disrupt ATM protein function with a negative predictive value of 95%. In summary, the available evidence is currently insufficient to determine the role of this variant in disease. Therefore, it has been classified as a Variant of Uncertain Significance.

Color Diagnostics, LLC DBA Color Health
Classification: Uncertain significance for Hereditary cancer-predisposing syndrome. Last evaluated: 2024-11-26. Review status: criteria provided, single submitter. Criteria: ACMG Guidelines, 2015. Collection method: clinical testing. Allele origin: germline.
Comment: This missense variant replaces histidine with arginine at codon 2111 of the ATM protein. Computational prediction suggests that this variant may not impact protein structure and function. To our knowledge, functional studies have not been reported for this variant. This variant has been reported in individuals affected with breast cancer (PMID: 12935922, 19781682, 26976419, 28779002). This variant has been identified in 1/250340 chromosomes in the general population by the Genome Aggregation Database (gnomAD). The available evidence is insufficient to determine the role of this variant in disease conclusively. Therefore, this variant is classified as a Variant of Uncertain Significance.

Ambry Genetics
Classification: Uncertain significance for Hereditary cancer-predisposing syndrome. Last evaluated: 2024-05-13. Review status: criteria provided, single submitter. Criteria: Ambry Variant Classification Scheme 2023. Collection method: clinical testing. Allele origin: germline.
Comment: The p.H2111R variant (also known as c.6332A>G), located in coding exon 42 of the ATM gene, results from an A to G substitution at nucleotide position 6332. The histidine at codon 2111 is replaced by arginine, an amino acid with highly similar properties. This alteration has been detected in 1/4112 breast cancer patients and 0/2399 healthy control individuals across numerous studies (Tavtigian S et al. Am J Hum Genet. 2009 Oct;85(4):427-46). This alteration has subsequently been reported in a cohort of 488 patients with stages I to III breast cancer who were tested with a 25-gene panel test (Tung N et al. J. Clin. Oncol., 2016 May;34:1460-8). Another study detected this alteration in 1/13087 breast cancer cases and 1/5488 control individuals in the UK (Decker B et al. J. Med. Genet., 2017 Nov;54:732-741). This amino acid position is poorly conserved in available vertebrate species. In addition, the in silico prediction for this alteration is inconclusive. Based on the available evidence, the clinical significance of this variant remains unclear.

ARUP Laboratories, Molecular Genetics and Genomics, ARUP Laboratories
Classification: Uncertain significance. Last evaluated: 2024-03-14. Review status: criteria provided, single submitter. Criteria: ARUP Molecular Germline Variant Investigation Process 2024. Collection method: clinical testing. Allele origin: germline.
Comment: The ATM c.6332A>G; p.His2111Arg variant (rs876658300; ClinVar Variation ID: 229957) is reported in the literature in multiple cohorts of individuals affected with breast cancer, though no additional evidence of causality is presented (Decker 2017, Sommer 2003, Tavtigian 2009, Tung 2016). This variant is only observed on one allele in the Genome Aggregation Database (v2.1.1), indicating it is not a common polymorphism. Computational analyses are uncertain whether this variant is neutral or deleterious (REVEL: 0.384). Due to limited information, the clinical significance of this variant is uncertain at this time. References: Decker B et al. Rare, protein-truncating variants in ATM, CHEK2 and PALB2, but not XRCC2, are associated with increased breast cancer risks. J Med Genet. 2017 Nov;54(11):732-741. PMID: 28779002 Sommer SS et al. ATM missense mutations are frequent in patients with breast cancer. Cancer Genet Cytogenet. 2003 Sep;145(2):115-20. PMID: 12935922. Tavtigian SV, et al. Rare, evolutionarily unlikely missense substitutions in ATM confer increased risk of breast cancer. Am J Hum Genet. 2009 Oct;85(4):427-46 PMID: 19781682 Tung N et al. Frequency of Germline Mutations in 25 Cancer Susceptibility Genes in a Sequential Series of Patients With Breast Cancer. J Clin Oncol. 2016 May 1;34(13):1460-8. PMID: 26976419

Baylor Genetics
Classification: Uncertain significance for Familial cancer of breast. Last evaluated: 2024-03-04. Review status: criteria provided, single submitter. Criteria: ACMG Guidelines, 2015. Collection method: clinical testing. Allele origin: unknown.

Mayo Clinic Laboratories, Mayo Clinic
Classification: Uncertain significance. Last evaluated: 2023-04-21. Review status: criteria provided, single submitter. Criteria: ACMG Guidelines, 2015. Collection method: clinical testing. Allele origin: germline. Observed: 1 variant allele.
Comment: PM2_supporting

Women's Health and Genetics/Laboratory Corporation of America, LabCorp
Classification: Uncertain significance. Last evaluated: 2020-09-14. Review status: criteria provided, single submitter. Criteria: LabCorp Variant Classification Summary - May 2015. Collection method: clinical testing. Allele origin: germline.
Comment: Variant summary: ATM c.6332A>G (p.His2111Arg) results in a non-conservative amino acid change located in the PIK-related kinase, FAT domain (IPR003151) of the encoded protein sequence. Four of five in-silico tools predict a benign effect of the variant on protein function. The variant allele was found at a frequency of 4e-06 in 250340 control chromosomes. The available data on variant occurrences in the general population are insufficient to allow any conclusion about variant significance. c.6332A>G has been reported in the literature in individuals affected with breast cancer and in human tumor cell lines (examples- Ejima_2000, Sommer_2003, Tavtigian_2009, Tung_2016). These reports do not provide unequivocal conclusions about association of the variant with Ataxia-Telangiectasia. To our knowledge, no experimental evidence demonstrating an impact on protein function has been reported. Five other clinical diagnostic laboratories have submitted clinical-significance assessments for this variant to ClinVar after 2014 without evidence for independent evaluation. All laboratories classified the variant as uncertain significance. Based on the evidence outlined above, the variant was classified as uncertain significance.

Natera, Inc.
Classification: Uncertain significance for Ataxia-telangiectasia. Last evaluated: 2021-04-19. Review status: no assertion criteria provided. Collection method: clinical testing. Allele origin: germline. Not counted in ClinVar's aggregate classification.

Counsyl
Classification: Uncertain significance for Ataxia-telangiectasia syndrome. Last evaluated: 2017-03-13. Review status: no assertion criteria provided. Collection method: clinical testing. Allele origin: unknown. Not counted in ClinVar's aggregate classification.

Literature cited by the submitters: PubMed 10738255 (cited by Labcorp Genetics (formerly Invitae), Labcorp and Women's Health and Genetics/Laboratory Corporation of America, LabCorp); PubMed 12935922 (cited by 5 submitters); PubMed 19781682 (cited by 5 submitters); PubMed 26976419 (cited by 5 submitters); PubMed 28779002 (cited by 3 submitters); PubMed 30197789 (cited by Women's Health and Genetics/Laboratory Corporation of America, LabCorp).

NM_000051.4(ATM):c.6332A>G (p.His2111Arg)

Genes: ATM (ATM serine/threonine kinase; plus strand), C11orf65 (chromosome 11 open reading frame 65; minus strand). Cytogenetic location: 11q22.3.
Variant type: single nucleotide variant.
Coding change: c.6332A>G on transcript NM_000051.4 (MANE Select); coding-DNA position 6332, A replaced by G.
Protein change: p.His2111Arg; replaces histidine 2111 with arginine.
Molecular consequence: missense variant. On other transcripts: intron variant (2).
Genome position (GRCh38, 1-based): chr11:108,317,506, A>G. VCF-style: chr11-108317506-A-G. GRCh37 (hg19) VCF-style: chr11-108188233-A-G.
Other names: p.His2111Arg; c.641-8435T>C (NM_001330368.2); c.*39-8435T>C (NM_001351110.2); c.6332A>G, p.His2111Arg (NM_001351834.2); short protein forms H2111R.
Identifiers: ClinVar variation 229957 (VCV000229957.37), dbSNP rs876658300, ClinGen allele CA10579219.